The following is an entry in ClinVar:

NM_152383.5(DIS3L2):c.1534G>A (p.Glu512Lys)

Gene: DIS3L2 (DIS3 like 3'-5' exoribonuclease 2; plus strand). Cytogenetic location: 2q37.1.
Variant type: single nucleotide variant.
Coding change: c.1534G>A on transcript NM_152383.5 (MANE Select); coding-DNA position 1534, G replaced by A.
Protein change: p.Glu512Lys; replaces glutamic acid 512 with lysine.
Molecular consequence: missense variant. On other transcripts: non-coding transcript variant (2).
Genome position (GRCh38, 1-based): chr2:232,263,315, G>A. VCF-style: chr2-232263315-G-A. GRCh37 (hg19) VCF-style: chr2-233128025-G-A.
Other names: c.1534G>A, p.Glu512Lys (NM_001257281.2); short protein forms E512K.
Identifiers: ClinVar variation 895575 (VCV000895575.7), dbSNP rs1693767237, ClinGen allele CA350975476.

ClinVar aggregate classification (germline): Uncertain significance. Review status: criteria provided, multiple submitters, no conflicts (2 of 4 stars). 2 submissions from 2 submitters: Uncertain significance (2). Last evaluated 2023-05-24.

Conditions:
Perlman syndrome (PRLMNS). Identifiers: Orphanet 2849, MedGen C0796113, MONDO:0009965, OMIM 267000.

Allele frequency attached by ClinVar (database versions not stated): gnomAD exomes below 0.00001.
gnomAD v4.1: 1 of 1,614,196 alleles (0.000062%); highest among the groups gnomAD compares: Non-Finnish European, 0.000085%; no homozygotes.

Submissions (2):

Labcorp Genetics (formerly Invitae), Labcorp
Classification: Uncertain significance for Perlman syndrome. Last evaluated: 2023-05-24. Review status: criteria provided, single submitter. Criteria: Invitae Variant Classification Sherloc (09022015). Collection method: clinical testing. Allele origin: germline.
Comment: In summary, the available evidence is currently insufficient to determine the role of this variant in disease. Therefore, it has been classified as a Variant of Uncertain Significance. An algorithm developed to predict the effect of missense changes on protein structure and function (PolyPhen-2) suggests that this variant is likely to be disruptive. ClinVar contains an entry for this variant (Variation ID: 895575). This variant has not been reported in the literature in individuals affected with DIS3L2-related conditions. This variant is not present in population databases (gnomAD no frequency). This sequence change replaces glutamic acid, which is acidic and polar, with lysine, which is basic and polar, at codon 512 of the DIS3L2 protein (p.Glu512Lys).

Illumina Laboratory Services, Illumina
Classification: Uncertain significance for Perlman syndrome. Last evaluated: 2018-01-13. Review status: criteria provided, single submitter. Criteria: ICSL Variant Classification Criteria 13 December 2019. Collection method: clinical testing. Allele origin: germline.